The following is an entry in ClinVar:

NM_002890.3(RASA1):c.293C>G (p.Ala98Gly)

Gene: RASA1 (RAS p21 protein activator 1; plus strand). Cytogenetic location: 5q14.3.
Variant type: single nucleotide variant.
Coding change: c.293C>G on transcript NM_002890.3 (MANE Select); coding-DNA position 293, C replaced by G.
Protein change: p.Ala98Gly; replaces alanine 98 with glycine.
Molecular consequence: missense variant.
Genome position (GRCh38, 1-based): chr5:87,268,744, C>G. VCF-style: chr5-87268744-C-G. GRCh37 (hg19) VCF-style: chr5-86564561-C-G.
Other names: short protein forms A98G.
Identifiers: ClinVar variation 2083094 (VCV002083094.5), dbSNP rs2531003053, ClinGen allele CA360417117.

ClinVar aggregate classification (germline): Uncertain significance. Review status: criteria provided, multiple submitters, no conflicts (2 of 4 stars). 2 submissions from 2 submitters: Uncertain significance (2). Last evaluated 2024-09-30.

Conditions:
Capillary malformation-arteriovenous malformation syndrome. Also called: Capillary malformation-arteriovenous malformation. Identifiers: Orphanet 137667, MedGen C1842180, MONDO:0012016.
Cardiovascular phenotype. Identifiers: MedGen CN230736.

Submissions (2):

Ambry Genetics
Classification: Uncertain significance for Cardiovascular phenotype. Last evaluated: 2024-09-30. Review status: criteria provided, single submitter. Criteria: Ambry Variant Classification Scheme 2023. Collection method: clinical testing. Allele origin: germline.

Labcorp Genetics (formerly Invitae), Labcorp
Classification: Uncertain significance for Capillary malformation-arteriovenous malformation syndrome. Last evaluated: 2024-02-17. Review status: criteria provided, single submitter. Criteria: Invitae Variant Classification Sherloc (09022015). Collection method: clinical testing. Allele origin: germline.
Comment: This sequence change replaces alanine, which is neutral and non-polar, with glycine, which is neutral and non-polar, at codon 98 of the RASA1 protein (p.Ala98Gly). This variant is not present in population databases (gnomAD no frequency). This variant has not been reported in the literature in individuals affected with RASA1-related conditions. ClinVar contains an entry for this variant (Variation ID: 2083094). An algorithm developed to predict the effect of missense changes on protein structure and function (PolyPhen-2) suggests that this variant is likely to be tolerated. In summary, the available evidence is currently insufficient to determine the role of this variant in disease. Therefore, it has been classified as a Variant of Uncertain Significance.